The following is an entry in ClinVar:

NM_000257.4(MYH7):c.1013T>A (p.Val338Glu)

Gene: MYH7 (myosin heavy chain 7; minus strand). Cytogenetic location: 14q11.2.
Variant type: single nucleotide variant.
Coding change: c.1013T>A on transcript NM_000257.4 (MANE Select); coding-DNA position 1013, T replaced by A.
Protein change: p.Val338Glu; replaces valine 338 with glutamic acid.
Molecular consequence: missense variant.
Genome position (GRCh38, 1-based): chr14:23,429,900, A>T on the plus strand (T>A on the coding strand, the complement: MYH7 is on the minus strand). VCF-style: chr14-23429900-A-T. GRCh37 (hg19) VCF-style: chr14-23899109-A-T.
Other names: c.1013T>A (LRG_384t1); short protein forms V338E.
Identifiers: ClinVar variation 492983 (VCV000492983.2), dbSNP rs397516087, ClinGen allele CA389051545.

ClinVar aggregate classification (germline): Uncertain significance (1 of 4 stars; one submission).

Conditions:
Hypertrophic cardiomyopathy 1 (CMH1). Also called: MYH7-Related Familial Hypertrophic Cardiomyopathy; Familial hypertrophic cardiomyopathy 1. Identifiers: MedGen C3495498, MONDO:0008647, OMIM 192600.

Submission:

Agnes Ginges Centre for Molecular Cardiology, Centenary Institute
Classification: Uncertain significance for Hypertrophic cardiomyopathy 1. Last evaluated: 2018-08-22. Review status: criteria provided, single submitter. Criteria: ACMG Guidelines, 2015. Collection method: research. Allele origin: germline. Inheritance: Autosomal dominant inheritance. Affected: yes.
Comment: The MYH7 Val338Glu variant is novel. It is absent from the Genome Aggregation Database. In a large HCM population study Walsh et al., showed that MYH7 variants identified in HCM cases were found to cluster between amino acids 181- 937 (2017), this implies that variants in this region are likely to cause a HCM phenotype. Interestingly, rare variants at this position (Val338Ala & Val338Met) have been reported in HCM cases and Val338Met has been classified as 'likely pathogenic'. Computational tools SIFT, PolyPhen-2 and MutationTaster predict this variant to have a deleterious effect. Based on the adapted ACMG guidelines (Kelly MA, et al., 2018) this variant is located in a known functional domain of MYH7 (PM1), is rare in the general population (PM2) and in silico tools predict the variant to be deleterious (PP3), therefore we classify MYH7 Val338Glu as a variant of 'uncertain significance'.

Literature cited by the submitters: PubMed 25611685; PubMed 27532257.